The following is an entry in ClinVar:

ClinVar aggregate classification (germline): Uncertain significance (1 of 4 stars; one submission).

Conditions:
Myofibrillar myopathy 5. Also called: Filaminopathy (type); FILAMINOPATHY, AUTOSOMAL DOMINANT. Identifiers: Orphanet 171445, MedGen C1836050, MONDO:0012289, OMIM 609524.
Hypertrophic cardiomyopathy 26. Also called: Cardiomyopathy, familial hypertrophic, 26. Identifiers: Orphanet 75249, MedGen C4310749, MONDO:0014883, OMIM 617047.
Distal myopathy with posterior leg and anterior hand involvement. Also called: WILLIAMS DISTAL MYOPATHY. Identifiers: Orphanet 63273, MedGen C3279722, MONDO:0013550, OMIM 614065.
Dilated Cardiomyopathy, Dominant.

Allele frequency attached by ClinVar (database versions not stated): gnomAD exomes 0.00002.

Submission:

Labcorp Genetics (formerly Invitae), Labcorp
Classification: Uncertain significance for Distal myopathy with posterior leg and anterior hand involvement; Myofibrillar myopathy 5; Hypertrophic cardiomyopathy 26. Last evaluated: 2023-11-01. Review status: criteria provided, single submitter. Criteria: Invitae Variant Classification Sherloc (09022015). Collection method: clinical testing. Allele origin: germline.
Comment: This sequence change replaces asparagine, which is neutral and polar, with serine, which is neutral and polar, at codon 1550 of the FLNC protein (p.Asn1550Ser). This variant is not present in population databases (gnomAD no frequency). This variant has not been reported in the literature in individuals affected with FLNC-related conditions. Advanced modeling of protein sequence and biophysical properties (such as structural, functional, and spatial information, amino acid conservation, physicochemical variation, residue mobility, and thermodynamic stability) has been performed at Invitae for this missense variant, however the output from this modeling did not meet the statistical confidence thresholds required to predict the impact of this variant on FLNC protein function. In summary, the available evidence is currently insufficient to determine the role of this variant in disease. Therefore, it has been classified as a Variant of Uncertain Significance.

NM_001458.5(FLNC):c.4649A>G (p.Asn1550Ser)

Gene: FLNC (filamin C; plus strand). Cytogenetic location: 7q32.1.
Variant type: single nucleotide variant.
Coding change: c.4649A>G on transcript NM_001458.5 (MANE Select); coding-DNA position 4649, A replaced by G.
Protein change: p.Asn1550Ser; replaces asparagine 1550 with serine.
Molecular consequence: missense variant.
Genome position (GRCh38, 1-based): chr7:128,848,629, A>G. VCF-style: chr7-128848629-A-G. GRCh37 (hg19) VCF-style: chr7-128488683-A-G.
Other names: c.4649A>G, p.Asn1550Ser (NM_001127487.2); short protein forms N1550S.
Identifiers: ClinVar variation 2927362 (VCV002927362.2), dbSNP rs2536648016, ClinGen allele CA369202660.